The following is an entry in ClinVar:

NM_001572.5(IRF7):c.755C>G (p.Ala252Gly)

Gene: IRF7 (interferon regulatory factor 7; minus strand). Cytogenetic location: 11p15.5.
Variant type: single nucleotide variant.
Coding change: c.755C>G on transcript NM_001572.5 (MANE Select); coding-DNA position 755, C replaced by G.
Protein change: p.Ala252Gly; replaces alanine 252 with glycine.
Molecular consequence: missense variant. On other transcripts: intron variant (1).
Genome position (GRCh38, 1-based): chr11:613,962, G>C on the plus strand (C>G on the coding strand, the complement: IRF7 is on the minus strand). VCF-style: chr11-613962-G-C. GRCh37 (hg19) VCF-style: chr11-613962-G-C.
Other names: c.794C>G, p.Ala265Gly (NM_004031.4); c.680-97C>G (NM_004029.4); short protein forms A252G, A265G.
Identifiers: ClinVar variation 2849829 (VCV002849829.3), dbSNP rs2493916646, ClinGen allele CA378980111.

ClinVar aggregate classification (germline): Uncertain significance (1 of 4 stars; one submission).

Conditions:
Immunodeficiency 39 (IMD39). Identifiers: Orphanet 574918, MedGen C4225358, MONDO:0014597, OMIM 616345.

Submission:

Labcorp Genetics (formerly Invitae), Labcorp
Classification: Uncertain significance for Immunodeficiency 39. Last evaluated: 2023-03-26. Review status: criteria provided, single submitter. Criteria: Invitae Variant Classification Sherloc (09022015). Collection method: clinical testing. Allele origin: germline.
Comment: In summary, the available evidence is currently insufficient to determine the role of this variant in disease. Therefore, it has been classified as a Variant of Uncertain Significance. An algorithm developed to predict the effect of missense changes on protein structure and function (PolyPhen-2) suggests that this variant is likely to be tolerated. This variant has not been reported in the literature in individuals affected with IRF7-related conditions. This variant is not present in population databases (gnomAD no frequency). This sequence change replaces alanine, which is neutral and non-polar, with glycine, which is neutral and non-polar, at codon 265 of the IRF7 protein (p.Ala265Gly).